The following is an entry in ClinVar:

NM_000293.3(PHKB):c.1317A>C (p.Lys439Asn)

Gene: PHKB (phosphorylase kinase regulatory subunit beta; plus strand). Cytogenetic location: 16q12.1.
Variant type: single nucleotide variant.
Coding change: c.1317A>C on transcript NM_000293.3 (MANE Select); coding-DNA position 1317, A replaced by C.
Protein change: p.Lys439Asn; replaces lysine 439 with asparagine.
Molecular consequence: missense variant.
Genome position (GRCh38, 1-based): chr16:47,596,485, A>C. VCF-style: chr16-47596485-A-C. GRCh37 (hg19) VCF-style: chr16-47630396-A-C.
Other names: c.1296A>C, p.Lys432Asn (NM_001031835.3); c.1317A>C, p.Lys439Asn (NM_001363837.1); c.1317A>C (NM_000293.2); short protein forms K432N, K439N.
Identifiers: ClinVar variation 2180025 (VCV002180025.5), dbSNP rs2506402531, ClinGen allele CA395799981.

ClinVar aggregate classification (germline): Uncertain significance. Review status: criteria provided, multiple submitters, no conflicts (2 of 4 stars). 2 submissions from 2 submitters: Uncertain significance (2). Last evaluated 2023-12-19.

Conditions:
Glycogen storage disease IXb (GSD9B). Also called: GLYCOGENOSIS OF LIVER AND MUSCLE, AUTOSOMAL RECESSIVE; GSD IXb; PHOSPHORYLASE KINASE DEFICIENCY OF LIVER AND MUSCLE, AUTOSOMAL RECESSIVE. Identifiers: Orphanet 79240, MedGen C0543514, MONDO:0009868, OMIM 261750.
Inborn genetic diseases. Identifiers: MedGen C0950123, MeSH D030342.

Allele frequency attached by ClinVar (database versions not stated): gnomAD exomes below 0.00001.
gnomAD v4.1: 1 of 1,614,018 alleles (0.000062%); highest among the groups gnomAD compares: Non-Finnish European, 0.000085%; no homozygotes.

Submissions (2):

Ambry Genetics
Classification: Uncertain significance for Inborn genetic diseases. Last evaluated: 2023-12-19. Review status: criteria provided, single submitter. Criteria: Ambry Variant Classification Scheme 2023. Collection method: clinical testing. Allele origin: germline.

Labcorp Genetics (formerly Invitae), Labcorp
Classification: Uncertain significance for Glycogen storage disease IXb. Last evaluated: 2023-10-04. Review status: criteria provided, single submitter. Criteria: Invitae Variant Classification Sherloc (09022015). Collection method: clinical testing. Allele origin: germline.
Comment: This sequence change replaces lysine, which is basic and polar, with asparagine, which is neutral and polar, at codon 439 of the PHKB protein (p.Lys439Asn). This variant is not present in population databases (gnomAD no frequency). This variant has not been reported in the literature in individuals affected with PHKB-related conditions. ClinVar contains an entry for this variant (Variation ID: 2180025). An algorithm developed to predict the effect of missense changes on protein structure and function (PolyPhen-2) suggests that this variant is likely to be tolerated. In summary, the available evidence is currently insufficient to determine the role of this variant in disease. Therefore, it has been classified as a Variant of Uncertain Significance.